The following is an entry in ClinVar:

NM_000092.5(COL4A4):c.570_571dup (p.Asp191fs)

Gene: COL4A4 (collagen type IV alpha 4 chain; minus strand). Cytogenetic location: 2q36.3.
Variant type: Duplication.
Coding change: c.570_571dup on transcript NM_000092.5 (MANE Select); coding-DNA positions 570 to 571, 2 bases duplicated (GG; older notation c.570_571dupGG).
Protein change: p.Asp191fs; shifts the reading frame from aspartic acid 191.
Molecular consequence: frameshift variant.
Genome position (GRCh38, 1-based): chr2:227,111,701-227,111,702, CC duplicated on the plus strand (GG on the coding strand, the reverse complement: COL4A4 is on the minus strand); duplicating any 2 consecutive bases within chr2:227,111,701-227,111,704 gives the same sequence; the c. name uses the placement nearest the transcript's 3' end. VCF-style (leftmost placement, unchanged base first): chr2-227111700-T-TCC. GRCh37 (hg19) VCF-style: chr2-227976416-T-TCC.
Other names: short protein forms D191fs.
Identifiers: ClinVar variation 4851613 (VCV004851613.1).

ClinVar aggregate classification (germline): Likely pathogenic (1 of 4 stars; one submission).

Conditions:
Hematuria, benign familial, 1 (BFH1). Also called: THIN MEMBRANE NEPHROPATHY. Identifiers: MedGen CN376803, MONDO:0007709, OMIM 141200.

Submission:

CGC Genetics, Unilabs
Classification: Likely pathogenic for Hematuria, benign familial, 1. Last evaluated: 2025-06-24. Review status: criteria provided, single submitter. Criteria: ACMG Guidelines, 2015. Collection method: clinical testing. Allele origin: germline. Inheritance: Autosomal dominant inheritance. Affected: yes. Observed: 1 variant allele.
Comment: This is a frameshift variant that introduces a premature stop codon, which in turn is expected to lead to the creation of a truncated protein and/or a reduction in its expression due to mRNA degradation. With the information currently available, this should be classified as a likely pathogenic variant.

Literature cited by the submitters: PubMed 25307543.